The following is an entry in ClinVar:

ClinVar aggregate classification (germline): Uncertain significance (1 of 4 stars; one submission).

Submission:

GeneDx
Classification: Uncertain significance. Last evaluated: 2024-12-27. Review status: criteria provided, single submitter. Criteria: GeneDx Variant Classification Process June 2021. Collection method: clinical testing. Allele origin: germline. Affected: yes.
Comment: Not observed at significant frequency in large population cohorts (gnomAD); In silico analysis indicates that this missense variant does not alter protein structure/function; Has not been previously published as pathogenic or benign to our knowledge

NM_015192.4(PLCB1):c.2776C>T (p.His926Tyr)

Gene: PLCB1 (phospholipase C beta 1; plus strand). Cytogenetic location: 20p12.3.
Variant type: single nucleotide variant.
Coding change: c.2776C>T on transcript NM_015192.4 (MANE Select); coding-DNA position 2776, C replaced by T.
Protein change: p.His926Tyr; replaces histidine 926 with tyrosine.
Molecular consequence: missense variant.
Genome position (GRCh38, 1-based): chr20:8,765,204, C>T. VCF-style: chr20-8765204-C-T. GRCh37 (hg19) VCF-style: chr20-8745851-C-T.
Other names: c.2776C>T, p.His926Tyr (NM_182734.3); short protein forms H926Y.
Identifiers: ClinVar variation 4055891 (VCV004055891.1).
Genomic context (GRCh38, chr20:8,765,204, plus strand): 5'-GAAGCACAGACCATCGAAGAACTAAAGCAACAGAAATCGTTTGTGAAACTTCAAAAGAAA[C>T]ACTACAAAGAAATGAAAGACCTGGTTAAGAGACACCACAAGAAAACCACTGACCTTATCA-3'
Protein context (NP_056007.1, residues 916-936): QKSFVKLQKK[His926Tyr]YKEMKDLVKR